The following is an entry in ClinVar:

NM_015599.3(PGM3):c.703C>G (p.Gln235Glu)

Gene: PGM3 (phosphoglucomutase 3; minus strand). Cytogenetic location: 6q14.1.
Variant type: single nucleotide variant.
Coding change: c.703C>G on transcript NM_015599.3 (MANE Select); coding-DNA position 703, C replaced by G.
Protein change: p.Gln235Glu; replaces glutamine 235 with glutamic acid.
Molecular consequence: missense variant. On other transcripts: non-coding transcript variant (1).
Genome position (GRCh38, 1-based): chr6:83,181,820, G>C on the plus strand (C>G on the coding strand, the complement: PGM3 is on the minus strand). VCF-style: chr6-83181820-G-C. GRCh37 (hg19) VCF-style: chr6-83891539-G-C.
Other names: c.787C>G, p.Gln263Glu (NM_001199917.2, NM_001367287.1); c.460C>G, p.Gln154Glu (NM_001199918.2); c.703C>G, p.Gln235Glu (NM_001199919.2, NM_001367286.1); short protein forms Q154E, Q235E, Q263E.
Identifiers: ClinVar variation 1002000 (VCV001002000.6), dbSNP rs774767366, ClinGen allele CA3906690.

ClinVar aggregate classification (germline): Uncertain significance (1 of 4 stars; one submission).

Conditions:
Immunodeficiency 23 (IMD23). Also called: IMMUNODEFICIENCY WITH HYPER IgE AND COGNITIVE IMPAIRMENT; IMMUNODEFICIENCY-VASCULITIS-MYOCLONUS SYNDROME. Identifiers: Orphanet 443811, MedGen C4014371, MONDO:0014353, OMIM 615816.

Allele frequency attached by ClinVar (database versions not stated): gnomAD 0.00001; gnomAD exomes 0.00001 and 0.00002; TOPMed 0.00001; ExAC 0.00002.
gnomAD v4.1: 17 of 1,613,832 alleles (0.0011%); highest among the groups gnomAD compares: Non-Finnish European, 0.0014%; 1 homozygote.

Submission:

Labcorp Genetics (formerly Invitae), Labcorp
Classification: Uncertain significance for Immunodeficiency 23. Last evaluated: 2021-09-01. Review status: criteria provided, single submitter. Criteria: Invitae Variant Classification Sherloc (09022015). Collection method: clinical testing. Allele origin: germline.
Comment: This sequence change replaces glutamine with glutamic acid at codon 263 of the PGM3 protein (p.Gln263Glu). The glutamine residue is weakly conserved and there is a small physicochemical difference between glutamine and glutamic acid. This variant is present in population databases (rs774767366, ExAC 0.006%). This variant has not been reported in the literature in individuals affected with PGM3-related conditions. Algorithms developed to predict the effect of missense changes on protein structure and function (SIFT, PolyPhen-2, Align-GVGD) all suggest that this variant is likely to be tolerated. In summary, the available evidence is currently insufficient to determine the role of this variant in disease. Therefore, it has been classified as a Variant of Uncertain Significance.